The following is an entry in ClinVar:

NM_000059.4(BRCA2):c.3146del (p.Asn1049fs)

Gene: BRCA2 (BRCA2 DNA repair associated; plus strand). Cytogenetic location: 13q13.1.
Variant type: Deletion.
Coding change: c.3146del on transcript NM_000059.4 (MANE Select); coding-DNA position 3146, one base deleted (A; older notation c.3146delA).
Protein change: p.Asn1049fs; shifts the reading frame from asparagine 1049.
Molecular consequence: frameshift variant.
Genome position (GRCh38, 1-based): chr13:32,337,501, A deleted; the last of 3 consecutive A bases (chr13:32,337,499-32,337,501); deleting any one gives the same sequence. VCF-style (leftmost placement, unchanged base first): chr13-32337498-TA-T. GRCh37 (hg19) VCF-style: chr13-32911635-TA-T.
Other names: 3374delA; c.3146delA (NM_000059.3).
Identifiers: ClinVar variation 51405 (VCV000051405.6), dbSNP rs80359370, ClinGen allele CA017299.

ClinVar aggregate classification (germline): Pathogenic. Review status: reviewed by expert panel (3 of 4 stars). 4 submissions from 4 submitters: Pathogenic (1). 3 of the submissions do not count toward it. Last evaluated 2016-09-08.

Conditions:
Hereditary breast ovarian cancer syndrome. Also called: Hereditary breast and ovarian cancer syndrome; Hereditary breast and ovarian cancer; Hereditary breast and ovarian cancer syndrome (HBOC); Breast and ovarian cancer; Hereditary breast and/or ovarian cancer syndrome; BRCA1- and BRCA2-Associated Hereditary Breast and Ovarian Cancer. Identifiers: Orphanet 145, MedGen C0677776, MeSH D061325, MONDO:0003582. Disease mechanism: loss of function.
Breast-ovarian cancer, familial, susceptibility to, 2 (BROVCA2). Also called: BRCA2 Hereditary Breast and Ovarian Cancer. Identifiers: Orphanet 145, MedGen C2675520, MONDO:0012933, OMIM 612555. Disease mechanism: loss of function.

Submissions (4):

Evidence-based Network for the Interpretation of Germline Mutant Alleles (ENIGMA)
Classification: Pathogenic for Breast-ovarian cancer, familial, susceptibility to, 2. Last evaluated: 2016-09-08. Review status: reviewed by expert panel. Criteria: ENIGMA BRCA1/2 Classification Criteria (2015). Collection method: curation. Allele origin: germline.
Comment: Variant allele predicted to encode a truncated non-functional protein.

GeneKor MSA
Classification: Pathogenic for Hereditary breast ovarian cancer syndrome. Last evaluated: 2025-06-25. Review status: criteria provided, single submitter. Criteria: ACMG Guidelines, 2015. Collection method: clinical testing. Allele origin: germline. Affected: yes. Not counted in ClinVar's aggregate classification.
Comment: This is a single nucleotide deletion in exon 11 of the BRCA2 mRNA c.(3146del), causing a frameshift after codon 1049. This creates a premature translational stop signal 5 amino acid residues later- p.(Asn1049Ilefs*5). It is expected to result in an absent or disrupted protein product. Truncating variants in BRCA2 are known to be pathogenic (PMID:20104584). This alteration is not present in population databases (rs80359370). The mutation database ClinVar contains entries for this variant where it is listed as pathogenic (VCV000051405.5). Based on the classification criteria set by the ACMG and AMP (PMID:25741868) this variant has been classified as pathogenic.

Consortium of Investigators of Modifiers of BRCA1/2 (CIMBA), c/o University of Cambridge
Classification: Pathogenic for Breast-ovarian cancer, familial, susceptibility to, 2. Last evaluated: 2015-10-02. Review status: criteria provided, single submitter. Criteria: CIMBA Mutation Classification guidelines May 2016. Collection method: clinical testing. Allele origin: germline. Not counted in ClinVar's aggregate classification.

Breast Cancer Information Core (BIC) (BRCA2)
Classification: Pathogenic for Breast-ovarian cancer, familial 2. Review status: no assertion criteria provided. Collection method: clinical testing. Allele origin: germline. Affected: yes. Observed: 1 variant allele. Not counted in ClinVar's aggregate classification.

Literature cited by the submitters: PubMed 20104584 (cited by GeneKor MSA).